The following is an entry in ClinVar:

ClinVar aggregate classification (germline): Uncertain significance (1 of 4 stars; one submission).

Submission:

Labcorp Genetics (formerly Invitae), Labcorp
Classification: Uncertain significance. Last evaluated: 2022-08-10. Review status: criteria provided, single submitter. Criteria: Invitae Variant Classification Sherloc (09022015). Collection method: clinical testing. Allele origin: germline.
Comment: In summary, the available evidence is currently insufficient to determine the role of this variant in disease. Therefore, it has been classified as a Variant of Uncertain Significance. Algorithms developed to predict the effect of missense changes on protein structure and function are either unavailable or do not agree on the potential impact of this missense change (SIFT: "Deleterious"; PolyPhen-2: "Benign"; Align-GVGD: "Class C65"). ClinVar contains an entry for this variant (Variation ID: 1475822). This variant has not been reported in the literature in individuals affected with RP2-related conditions. This variant is not present in population databases (gnomAD no frequency). This sequence change replaces glycine, which is neutral and non-polar, with valine, which is neutral and non-polar, at codon 261 of the RP2 protein (p.Gly261Val).

NM_006915.3(RP2):c.782G>T (p.Gly261Val)

Gene: RP2 (RP2 activator of ARL3 GTPase; plus strand). Cytogenetic location: Xp11.3.
Variant type: single nucleotide variant.
Coding change: c.782G>T on transcript NM_006915.3 (MANE Select); coding-DNA position 782, G replaced by T.
Protein change: p.Gly261Val; replaces glycine 261 with valine.
Molecular consequence: missense variant.
Genome position (GRCh38, 1-based): chrX:46,860,001, G>T. VCF-style: chrX-46860001-G-T. GRCh37 (hg19) VCF-style: chrX-46719436-G-T.
Other names: short protein forms G261V.
Identifiers: ClinVar variation 1475822 (VCV001475822.8), dbSNP rs2147083237, ClinGen allele CA413040721.
Genomic context (GRCh38, chrX:46,860,001, plus strand): 5'-GTCTCAGAAGTTCATTTTAAAATCTCAATGAAATTTTATTTTCACAGATGGTTGGTAAAG[G>T]CTTTTTCCTAGTTCAGACAAAGGAAGTGTCCATGAAAGCTGAGGATGCTCAAAGGGTTTT-3'
Protein context (NP_008846.2, residues 251-271): RKLIDEMVGK[Gly261Val]FFLVQTKEVS